The following is an entry in ClinVar:

ClinVar aggregate classification (germline): Uncertain significance. Review status: criteria provided, multiple submitters, no conflicts (2 of 4 stars). 3 submissions from 3 submitters: Uncertain significance (3). Last evaluated 2025-11-25.

Conditions:
Cardiovascular phenotype. Identifiers: MedGen CN230736.
Progressive familial heart block type IB (PFHB1B). Identifiers: Orphanet 871, MedGen C1970298, MONDO:0011474, OMIM 604559.
Erythrokeratodermia variabilis et progressiva 6. Identifiers: MedGen C5193144, MONDO:0032801, OMIM 618531.

Allele frequency attached by ClinVar (database versions not stated): ExAC 0.00002; gnomAD exomes 0.00002 and 0.00007; gnomAD 0.00015; TOPMed 0.00020.
gnomAD v4.1: 55 of 1,613,838 alleles (0.0034%); highest among the groups gnomAD compares: Admixed American, 0.055%; no homozygotes.

Submissions (3):

Labcorp Genetics (formerly Invitae), Labcorp
Classification: Uncertain significance for Progressive familial heart block type IB. Last evaluated: 2025-11-25. Review status: criteria provided, single submitter. Criteria: Invitae Variant Classification Sherloc (09022015). Collection method: clinical testing. Allele origin: germline.
Comment: This sequence change replaces threonine, which is neutral and polar, with methionine, which is neutral and non-polar, at codon 286 of the TRPM4 protein (p.Thr286Met). This variant is present in population databases (rs775793134, gnomAD 0.04%), and has an allele count higher than expected for a pathogenic variant. This variant has not been reported in the literature in individuals affected with TRPM4-related conditions. ClinVar contains an entry for this variant (Variation ID: 1508205). An algorithm developed to predict the effect of missense changes on protein structure and function (PolyPhen-2) suggests that this variant is likely to be tolerated. In summary, the available evidence is currently insufficient to determine the role of this variant in disease. Therefore, it has been classified as a Variant of Uncertain Significance.

Ambry Genetics
Classification: Uncertain significance for Cardiovascular phenotype. Last evaluated: 2025-11-07. Review status: criteria provided, single submitter. Criteria: Ambry Variant Classification Scheme 2023. Collection method: clinical testing. Allele origin: germline.
Comment: The p.T286M variant (also known as c.857C>T), located in coding exon 7 of the TRPM4 gene, results from a C to T substitution at nucleotide position 857. The threonine at codon 286 is replaced by methionine, an amino acid with similar properties. This amino acid position is poorly conserved in available vertebrate species. In addition, this alteration is predicted to be tolerated by in silico analysis. Since supporting evidence is limited at this time, the clinical significance of this alteration remains unclear.

Fulgent Genetics
Classification: Uncertain significance for Progressive familial heart block type IB; Erythrokeratodermia variabilis et progressiva 6. Last evaluated: 2022-01-05. Review status: criteria provided, single submitter. Criteria: ACMG Guidelines, 2015. Collection method: clinical testing. Allele origin: unknown.

NM_017636.4(TRPM4):c.857C>T (p.Thr286Met)

Gene: TRPM4 (transient receptor potential cation channel subfamily M member 4; plus strand). Cytogenetic location: 19q13.33.
Variant type: single nucleotide variant.
Coding change: c.857C>T on transcript NM_017636.4 (MANE Select); coding-DNA position 857, C replaced by T.
Protein change: p.Thr286Met; replaces threonine 286 with methionine.
Molecular consequence: missense variant. On other transcripts: 5 prime UTR variant (1).
Genome position (GRCh38, 1-based): chr19:49,171,417, C>T. VCF-style: chr19-49171417-C-T. GRCh37 (hg19) VCF-style: chr19-49674674-C-T.
Other names: c.857C>T, p.Thr286Met (NM_001195227.2); c.512C>T, p.Thr171Met (NM_001321281.2); c.-697C>T (NM_001321282.2); c.335C>T, p.Thr112Met (NM_001321283.2); c.8C>T, p.Thr3Met (NM_001321285.2); short protein forms T112M, T171M, T3M, T286M.
Identifiers: ClinVar variation 1508205 (VCV001508205.12), dbSNP rs775793134, ClinGen allele CA9568979.